The following is an entry in ClinVar:

NM_025216.3(WNT10A):c.113+1G>T

Gene: WNT10A (Wnt family member 10A; plus strand). Cytogenetic location: 2q35.
Variant type: single nucleotide variant.
Coding change: c.113+1G>T on transcript NM_025216.3 (MANE Select); the canonical splice donor site of the intron after coding-DNA position 113, G replaced by T.
Molecular consequence: splice donor variant.
Genome position (GRCh38, 1-based): chr2:218,881,109, G>T. VCF-style: chr2-218881109-G-T. GRCh37 (hg19) VCF-style: chr2-219745831-G-T.
Identifiers: ClinVar variation 4816258 (VCV004816258.2).

ClinVar aggregate classification (germline): Likely pathogenic. Review status: criteria provided, multiple submitters, no conflicts (2 of 4 stars). 2 submissions from 2 submitters: Likely pathogenic (2). Last evaluated 2026-06-10.

Conditions:
Odonto-onycho-dermal dysplasia. Identifiers: Orphanet 2721, MedGen C0796093, MONDO:0009773, OMIM 257980.
Schöpf-Schulz-Passarge syndrome. Also called: ECCRINE TUMORS WITH ECTODERMAL DYSPLASIA; KERATOSIS PALMOPLANTARIS WITH CYSTIC EYELIDS, HYPODONTIA, AND HYPOTRICHOSIS; SchC6pf-Schulz-Passarge syndrome. Identifiers: Orphanet 50944, MedGen C1857069, MONDO:0009145, OMIM 224750.

gnomAD v4.1: 1 of 1,591,958 alleles (0.000063%); highest among the groups gnomAD compares: Middle Eastern, 0.017%; no homozygotes.

Submissions (2):

Women's Health and Genetics/Laboratory Corporation of America, LabCorp
Classification: Likely pathogenic for Odonto-onycho-dermal dysplasia. Last evaluated: 2026-06-10. Review status: criteria provided, single submitter. Criteria: LabCorp Variant Classification Summary - May 2015. Collection method: clinical testing. Allele origin: germline.
Comment: Variant summary: WNT10A c.113+1G>T is located in a canonical splice-site and is predicted to affect mRNA splicing resulting in a significantly altered protein due to either exon skipping, shortening, or inclusion of intronic material. Variants that disrupt the consensus splice site are a relatively common cause of aberrant splicing and loss of WNT10A function. Several computational tools predict a significant impact on normal splicing: Four predict the variant abolishes a canonical 5' splicing donor site. However, these predictions have yet to be confirmed by functional studies. The variant was absent in 198610 control chromosomes. To our knowledge, no occurrence of c.113+1G>T in individuals affected with WNT10A-related conditions and no experimental evidence demonstrating its impact on protein function have been reported. ClinVar contains an entry for this variant (Variation ID: 4816258). Based on the evidence outlined above, the variant was classified as likely pathogenic.

Natera, Inc.
Classification: Likely pathogenic for Schopf-Schulz-Passarge syndrome. Last evaluated: 2025-11-14. Review status: criteria provided, single submitter. Criteria: Natera Variant Classification Schema (03/2026). Collection method: clinical testing. Allele origin: germline.
Comment: The c.113+1G>T variant in WNT10A is a canonical splice donor site variant predicted to affect pre-mRNA splicing, which may result in an abnormal transcript and altered protein product. This variant is expected to result in nonsense mediated decay, truncation, or a dysfunctional protein product. This variant is rare in the general population with a frequency below the threshold expected for the associated phenotype(s). Given the available evidence, this variant is classified as Likely Pathogenic.